The following is an entry in ClinVar:

ClinVar aggregate classification (germline): Uncertain significance (1 of 4 stars; one submission).

Conditions:
Epidermodysplasia verruciformis. Identifiers: Orphanet 302, MedGen C0014522, MONDO:0009176.

Allele frequency attached by ClinVar (database versions not stated): gnomAD 0.00001.
gnomAD v4.1: 18 of 1,613,536 alleles (0.0011%); highest among the groups gnomAD compares: Middle Eastern, 0.017%; no homozygotes.

Submission:

Labcorp Genetics (formerly Invitae), Labcorp
Classification: Uncertain significance for Epidermodysplasia verruciformis. Last evaluated: 2025-09-15. Review status: criteria provided, single submitter. Criteria: Invitae Variant Classification Sherloc (09022015). Collection method: clinical testing. Allele origin: germline.
Comment: This sequence change replaces isoleucine, which is neutral and non-polar, with methionine, which is neutral and non-polar, at codon 750 of the TMC6 protein (p.Ile750Met). This variant is present in population databases (no rsID available, gnomAD 0.007%). This variant has not been reported in the literature in individuals affected with TMC6-related conditions. ClinVar contains an entry for this variant (Variation ID: 969536). An algorithm developed to predict the effect of missense changes on protein structure and function (PolyPhen-2) suggests that this variant is likely to be tolerated. In summary, the available evidence is currently insufficient to determine the role of this variant in disease. Therefore, it has been classified as a Variant of Uncertain Significance.

NM_001127198.5(TMC6):c.2250C>G (p.Ile750Met)

Gene: TMC6 (transmembrane channel like 6; minus strand). Cytogenetic location: 17q25.3.
Variant type: single nucleotide variant.
Coding change: c.2250C>G on transcript NM_001127198.5 (MANE Select); coding-DNA position 2250, C replaced by G.
Protein change: p.Ile750Met; replaces isoleucine 750 with methionine.
Molecular consequence: missense variant.
Genome position (GRCh38, 1-based): chr17:78,117,296, G>C on the plus strand (C>G on the coding strand, the complement: TMC6 is on the minus strand). VCF-style: chr17-78117296-G-C. GRCh37 (hg19) VCF-style: chr17-76113377-G-C.
Other names: c.2250C>G, p.Ile750Met (NM_001321185.1, NM_001374596.1, NM_001375353.1 and 2 more transcripts); c.2070C>G, p.Ile690Met (NM_001374593.1, NM_001374594.1); short protein forms I750M, I690M.
Identifiers: ClinVar variation 969536 (VCV000969536.8), dbSNP rs907697260, ClinGen allele CA294341929.